The following is an entry in ClinVar:

ClinVar aggregate classification (germline): Pathogenic. Review status: criteria provided, multiple submitters, no conflicts (2 of 4 stars). 3 submissions from 3 submitters: Pathogenic (3). Last evaluated 2023-05-03.

Conditions:
Hereditary cancer-predisposing syndrome. Also called: Neoplastic Syndromes, Hereditary; Tumor predisposition; Hereditary Cancer Syndrome; Hereditary neoplastic syndrome. Identifiers: Orphanet 140162, MedGen C0027672, MeSH D009386, MONDO:0015356.
Familial adenomatous polyposis 1 (FAP1). Also called: FAMILIAL ADENOMATOUS POLYPOSIS 1, ATTENUATED; POLYPOSIS, ADENOMATOUS INTESTINAL. Identifiers: MedGen C2713442, MONDO:0021056, OMIM 175100. Disease mechanism: loss of function.

Submissions (3):

Myriad Genetics, Inc.
Classification: Pathogenic for Familial adenomatous polyposis 1. Last evaluated: 2023-05-03. Review status: criteria provided, single submitter. Criteria: Myriad Autosomal Dominant, Autosomal Recessive and X-Linked Classification Criteria (2023). Collection method: clinical testing. Allele origin: unknown.
Comment: This variant is considered pathogenic. This variant creates a frameshift predicted to result in premature protein truncation.

Labcorp Genetics (formerly Invitae), Labcorp
Classification: Pathogenic for Familial adenomatous polyposis 1. Last evaluated: 2022-03-27. Review status: criteria provided, single submitter. Criteria: Invitae Variant Classification Sherloc (09022015). Collection method: clinical testing. Allele origin: germline.
Comment: This sequence change creates a premature translational stop signal (p.Lys670Asnfs*5) in the APC gene. While this is not anticipated to result in nonsense mediated decay, it is expected to disrupt the last 2174 amino acid(s) of the APC protein. This variant is not present in population databases (gnomAD no frequency). This variant has not been reported in the literature in individuals affected with APC-related conditions. A different truncation (p.Tyr2645Lysfs*14) that lies downstream of this variant has been determined to be pathogenic (PMID: 9824584, 1316610, 27081525, 8381579, 22135120, Invitae). This suggests that deletion of this region of the APC protein is causative of disease. For these reasons, this variant has been classified as Pathogenic. This variant is expected to disrupt the EB1 and HDLG binding sites, which mediate interactions with the cytoskeleton (PMID: 15311282, 17293347). While functional studies have not been performed to directly test the effect on APC protein function, this suggests that disruption of the C-terminal portion of the protein is functionally important.

Ambry Genetics
Classification: Pathogenic for Hereditary cancer-predisposing syndrome. Last evaluated: 2019-12-06. Review status: criteria provided, single submitter. Criteria: Ambry Variant Classification Scheme 2023. Collection method: clinical testing. Allele origin: germline.
Comment: The c.2010delA pathogenic mutation, located in coding exon 15 of the APC gene, results from a deletion of one nucleotide at nucleotide position 2010, causing a translational frameshift with a predicted alternate stop codon (p.K670Nfs*5). This alteration is expected to result in loss of function by premature protein truncation or nonsense-mediated mRNA decay. As such, this alteration is interpreted as a disease-causing mutation.

Literature cited by the submitters: PubMed 9824584 (cited by Labcorp Genetics (formerly Invitae), Labcorp); PubMed 1316610 (cited by Labcorp Genetics (formerly Invitae), Labcorp); PubMed 27081525 (cited by Labcorp Genetics (formerly Invitae), Labcorp); PubMed 8381579 (cited by Labcorp Genetics (formerly Invitae), Labcorp); PubMed 22135120 (cited by Labcorp Genetics (formerly Invitae), Labcorp); PubMed 15311282 (cited by Labcorp Genetics (formerly Invitae), Labcorp); PubMed 17293347 (cited by Labcorp Genetics (formerly Invitae), Labcorp).

NM_000038.6(APC):c.2010del (p.Lys670fs)

Gene: APC (APC regulator of Wnt signaling pathway; plus strand). Cytogenetic location: 5q22.2.
Variant type: Deletion.
Coding change: c.2010del on transcript NM_000038.6 (MANE Select); coding-DNA position 2010, one base deleted (A; older notation c.2010delA).
Protein change: p.Lys670fs; shifts the reading frame from lysine 670.
Molecular consequence: frameshift variant.
Genome position (GRCh38, 1-based): chr5:112,837,604, A deleted; the last of 4 consecutive A bases (chr5:112,837,601-112,837,604); deleting any one gives the same sequence. VCF-style (leftmost placement, unchanged base first): chr5-112837600-TA-T. GRCh37 (hg19) VCF-style: chr5-112173297-TA-T.
Other names: c.2010del, p.Lys670fs (NM_001127510.3, NM_001354895.2); c.1956del, p.Lys652fs (NM_001127511.3); c.2064del, p.Lys688fs (NM_001354896.2); c.2040del, p.Lys680fs (NM_001354897.2); c.1935del, p.Lys645fs (NM_001354898.2); c.1926del, p.Lys642fs (NM_001354899.2); c.1887del, p.Lys629fs (NM_001354900.2); c.1833del, p.Lys611fs (NM_001354901.2); and 16 more; short protein forms K387fs, K569fs, K611fs, K629fs, K645fs, K688fs, K579fs, K510fs.
Identifiers: ClinVar variation 1784406 (VCV001784406.9), dbSNP rs2533390770, ClinGen allele CA2580072373.